The following is an entry in ClinVar:

ClinVar aggregate classification (germline): Uncertain significance (1 of 4 stars; one submission).

Conditions:
Hereditary cancer-predisposing syndrome. Also called: Neoplastic Syndromes, Hereditary; Tumor predisposition; Hereditary Cancer Syndrome; Hereditary neoplastic syndrome. Identifiers: Orphanet 140162, MedGen C0027672, MeSH D009386, MONDO:0015356.

gnomAD v4.1: 4 of 1,612,588 alleles (0.00025%); highest among the groups gnomAD compares: Non-Finnish European, 0.00034%; no homozygotes.

Submission:

Ambry Genetics
Classification: Uncertain significance for Hereditary cancer-predisposing syndrome. Last evaluated: 2024-09-08. Review status: criteria provided, single submitter. Criteria: Ambry Variant Classification Scheme 2023. Collection method: clinical testing. Allele origin: germline.
Comment: The p.D1825N variant (also known as c.5473G>A), located in coding exon 15 of the APC gene, results from a G to A substitution at nucleotide position 5473. The aspartic acid at codon 1825 is replaced by asparagine, an amino acid with highly similar properties. This amino acid position is conserved. In addition, in silico predictors for this gene do not accurately predict pathogenicity. Based on the available evidence, the clinical significance of this variant remains unclear.

NM_000038.6(APC):c.5473G>A (p.Asp1825Asn)

Gene: APC (APC regulator of Wnt signaling pathway; plus strand). Cytogenetic location: 5q22.2.
Variant type: single nucleotide variant.
Coding change: c.5473G>A on transcript NM_000038.6 (MANE Select); coding-DNA position 5473, G replaced by A.
Protein change: p.Asp1825Asn; replaces aspartic acid 1825 with asparagine.
Molecular consequence: missense variant. On other transcripts: non-coding transcript variant (2).
Genome position (GRCh38, 1-based): chr5:112,841,067, G>A. VCF-style: chr5-112841067-G-A. GRCh37 (hg19) VCF-style: chr5-112176764-G-A.
Other names: c.5398G>A, p.Asp1800Asn (NM_001354898.2); c.5389G>A, p.Asp1797Asn (NM_001354899.2); c.5350G>A, p.Asp1784Asn (NM_001354900.2); c.5296G>A, p.Asp1766Asn (NM_001354901.2, NM_001407453.1); c.5200G>A, p.Asp1734Asn (NM_001354902.2); c.5473G>A, p.Asp1825Asn (NM_001127510.3, NM_001354895.2, NM_001407450.1); c.5419G>A, p.Asp1807Asn (NM_001127511.3); c.5527G>A, p.Asp1843Asn (NM_001354896.2, NM_001407447.1, NM_001407448.1 and 1 more transcripts); and 11 more; short protein forms D1724N, D1742N, D1825N, D1853N, D1542N, D1734N, D1797N, D1800N.
Identifiers: ClinVar variation 3410900 (VCV003410900.1).